The following is an entry in ClinVar:

ClinVar aggregate classification (germline): Conflicting classifications of pathogenicity. Review status: criteria provided, conflicting classifications (1 of 4 stars). 3 submissions from 3 submitters: Likely pathogenic (2); Uncertain significance (1). Last evaluated 2026-03-04.

Conditions:
Familial melanoma. Also called: Hereditary melanoma; Hereditary cutaneous melanoma. Identifiers: Orphanet 618, MedGen C1512419, MONDO:0018961.
Hereditary cancer-predisposing syndrome. Also called: Neoplastic Syndromes, Hereditary; Tumor predisposition; Hereditary Cancer Syndrome; Hereditary neoplastic syndrome. Identifiers: Orphanet 140162, MedGen C0027672, MeSH D009386, MONDO:0015356.

Allele frequency attached by ClinVar (database versions not stated): gnomAD exomes below 0.00001.
gnomAD v4.1: 1 of 1,602,628 alleles (0.000062%); highest among the groups gnomAD compares: Middle Eastern, 0.017%; no homozygotes.

Submissions (3):

Ambry Genetics
Classification: Uncertain significance for Hereditary cancer-predisposing syndrome. Last evaluated: 2026-03-04. Review status: criteria provided, single submitter. Criteria: Ambry Variant Classification Scheme 2023. Collection method: clinical testing. Allele origin: germline.
Comment: The p.Q58* variant (also known as c.172C>T), located in coding exon 1 of the CDKN2A (p14ARF) gene, results from a C to T substitution at nucleotide position 172. This changes the amino acid from a glutamine to a stop codon within coding exon 1. This alteration is expected to result in loss of function by premature protein truncation or nonsense-mediated mRNA decay. However, loss of function has not been established as a mechanism of disease for the p14 isoform of CDKN2A. Based on the available evidence, the clinical significance of this alteration remains unclear.

Labcorp Genetics (formerly Invitae), Labcorp
Classification: Likely pathogenic for Familial melanoma. Last evaluated: 2021-09-14. Review status: criteria provided, single submitter. Criteria: Invitae Variant Classification Sherloc (09022015). Collection method: clinical testing. Allele origin: germline.

GeneDx
Classification: Likely pathogenic. Last evaluated: 2020-10-12. Review status: criteria provided, single submitter. Criteria: GeneDx Variant Classification Process June 2021. Collection method: clinical testing. Allele origin: germline. Affected: yes.
Comment: Nonsense variant in the C-terminus predicted to result in protein truncation, as the last 75 amino acids are lost, and other loss-of-function variants have been reported downstream in the Human Gene Mutation Database (Stenson 2014); Not observed in large population cohorts (Lek 2016); Has not been previously published as pathogenic or benign to our knowledge; This variant occurs in exon 1 of the p14-ARF protein and is not predicted to affect the p16 protein; This variant is associated with the following publications: (PMID: 24436120)

NM_058195.4(CDKN2A):c.172C>T (p.Gln58Ter)

Gene: CDKN2A (cyclin dependent kinase inhibitor 2A; minus strand). Cytogenetic location: 9p21.3.
Variant type: single nucleotide variant.
Coding change: c.172C>T on transcript NM_058195.4 (MANE Plus Clinical); coding-DNA position 172, C replaced by T.
Protein change: p.Gln58Ter; replaces glutamine 58 with a stop codon.
Molecular consequence: nonsense. On other transcripts: intron variant (1).
Genome position (GRCh38, 1-based): chr9:21,994,160, G>A on the plus strand (C>T on the coding strand, the complement: CDKN2A is on the minus strand). VCF-style: chr9-21994160-G-A. GRCh37 (hg19) VCF-style: chr9-21994159-G-A.
Other names: c.-4+661C>T (NM_001363763.2); short protein forms Q58*.
Identifiers: ClinVar variation 1059393 (VCV001059393.9), dbSNP rs2131148082, ClinGen allele CA373086804.